The following is an entry in ClinVar:

ClinVar aggregate classification (germline): Uncertain significance. Review status: criteria provided, multiple submitters, no conflicts (2 of 4 stars). 6 submissions from 6 submitters: Uncertain significance (5). 1 of the submissions does not count toward it. Last evaluated 2025-07-11.

Conditions:
Inborn genetic diseases. Identifiers: MedGen C0950123, MeSH D030342.
Late-infantile neuronal ceroid lipofuscinosis. Also called: Jansky-Bielschowsky disease. Identifiers: MedGen C0022340, MONDO:0015674.
Macular dystrophy with central cone involvement (CCMD). Identifiers: MedGen C4015371, MONDO:0014515, OMIM 616170.
Neuronal ceroid lipofuscinosis 7 (CLN7). Also called: MFSD8-Related Neuronal Ceroid-Lipofuscinosis. Identifiers: Orphanet 168491, Orphanet 228366, MedGen C1838571, MONDO:0012588, OMIM 610951.

Allele frequency attached by ClinVar (database versions not stated): TOPMed 0.00002.
gnomAD v4.1: 60 of 1,611,910 alleles (0.0037%); highest among the groups gnomAD compares: Admixed American, 0.01%; no homozygotes.

Submissions (6):

GeneDx
Classification: Uncertain significance. Last evaluated: 2025-07-11. Review status: criteria provided, single submitter. Criteria: GeneDx Variant Classification Process June 2021. Collection method: clinical testing. Allele origin: germline. Affected: yes.
Comment: Not observed at significant frequency in large population cohorts (gnomAD); In silico analysis supports that this missense variant has a deleterious effect on protein structure/function; Has not been previously published as pathogenic or benign to our knowledge

Blueprint Genetics
Classification: Uncertain significance. Last evaluated: 2024-10-11. Review status: criteria provided, single submitter. Criteria: ACMG Guidelines, 2015. Collection method: clinical testing. Allele origin: germline.

Labcorp Genetics (formerly Invitae), Labcorp
Classification: Uncertain significance for Neuronal ceroid lipofuscinosis 7. Last evaluated: 2022-08-09. Review status: criteria provided, single submitter. Criteria: Invitae Variant Classification Sherloc (09022015). Collection method: clinical testing. Allele origin: germline.
Comment: This sequence change replaces isoleucine, which is neutral and non-polar, with phenylalanine, which is neutral and non-polar, at codon 39 of the MFSD8 protein (p.Ile39Phe). This variant is present in population databases (rs201739608, gnomAD 0.009%). This variant has not been reported in the literature in individuals affected with MFSD8-related conditions. ClinVar contains an entry for this variant (Variation ID: 206167). Algorithms developed to predict the effect of missense changes on protein structure and function are either unavailable or do not agree on the potential impact of this missense change (SIFT: "Deleterious"; PolyPhen-2: "Possibly Damaging"; Align-GVGD: "Class C0"). In summary, the available evidence is currently insufficient to determine the role of this variant in disease. Therefore, it has been classified as a Variant of Uncertain Significance.

Ambry Genetics
Classification: Uncertain significance for Inborn genetic diseases. Last evaluated: 2021-09-17. Review status: criteria provided, single submitter. Criteria: Ambry Variant Classification Scheme 2023. Collection method: clinical testing. Allele origin: germline.

Fulgent Genetics
Classification: Uncertain significance for Neuronal ceroid lipofuscinosis 7; Macular dystrophy with central cone involvement. Last evaluated: 2021-07-24. Review status: criteria provided, single submitter. Criteria: ACMG Guidelines, 2015. Collection method: clinical testing. Allele origin: unknown.

Natera, Inc.
Classification: Uncertain significance for Late-infantile neuronal ceroid lipofuscinosis. Last evaluated: 2020-01-31. Review status: no assertion criteria provided. Collection method: clinical testing. Allele origin: germline. Not counted in ClinVar's aggregate classification.

NM_001371596.2(MFSD8):c.115A>T (p.Ile39Phe)

Gene: MFSD8 (major facilitator superfamily domain containing 8; minus strand). Cytogenetic location: 4q28.2.
Variant type: single nucleotide variant.
Coding change: c.115A>T on transcript NM_001371596.2 (MANE Select); coding-DNA position 115, A replaced by T.
Protein change: p.Ile39Phe; replaces isoleucine 39 with phenylalanine.
Molecular consequence: missense variant. On other transcripts: 5 prime UTR variant (1).
Genome position (GRCh38, 1-based): chr4:127,957,540, T>A on the plus strand (A>T on the coding strand, the complement: MFSD8 is on the minus strand). VCF-style: chr4-127957540-T-A. GRCh37 (hg19) VCF-style: chr4-128878695-T-A.
Other names: p.I39F:ATT>TTT; c.115A>T, p.Ile39Phe (NM_001363520.3, NM_001363521.3, NM_001371591.2 and 5 more transcripts); c.-21A>T (NM_001371590.2, NM_001371595.1, NM_001410765.1); c.115A>T (NM_152778.3); short protein forms I39F.
Identifiers: ClinVar variation 206167 (VCV000206167.17), dbSNP rs201739608, ClinGen allele CA315995.